The following is an entry in ClinVar:

ClinVar aggregate classification (germline): Uncertain significance (1 of 4 stars; one submission).

Conditions:
Epidermolysis bullosa simplex 5B, with muscular dystrophy (EBS5B). Also called: EPIDERMOLYSIS BULLOSA SIMPLEX AND LIMB-GIRDLE MUSCULAR DYSTROPHY; Epidermolysis bullosa simplex with muscular dystrophy. Identifiers: Orphanet 257, MedGen C2931072, MONDO:0009181, OMIM 226670.
Epidermolysis bullosa simplex, Ogna type (EBS5A). Also called: Pidermolysis bullosa simplex 5A, Ogna type; EPIDERMOLYSIS BULLOSA SIMPLEX 5A, OGNA TYPE. Identifiers: Orphanet 79401, MedGen C0432317, MONDO:0007555, OMIM 131950.
Epidermolysis bullosa simplex 5C, with pyloric atresia (EBS5C). Also called: PLEC-Related Epidermolysis Bullosa with Pyloric Atresia; Epidermolysis bullosa simplex with pyloric atresia; PLEC1-Related Epidermolysis Bullosa with Pyloric Atresia. Identifiers: Orphanet 158684, MedGen C2677349, MONDO:0012807, OMIM 612138.
Autosomal recessive limb-girdle muscular dystrophy type 2Q (LGMDR17). Also called: MUSCULAR DYSTROPHY, LIMB-GIRDLE, AUTOSOMAL RECESSIVE 17. Identifiers: Orphanet 254361, MedGen C3150989, MONDO:0013390, OMIM 613723.
Epidermolysis bullosa simplex with nail dystrophy (EBS5D). Identifiers: MedGen C4225309, MONDO:0014661, OMIM 616487.

Allele frequency attached by ClinVar (database versions not stated): gnomAD 0.00001; 1000 Genomes Project 30x 0.00016; 1000 Genomes Project 0.00020.
gnomAD v4.1: 9 of 1,613,174 alleles (0.00056%); highest among the groups gnomAD compares: South Asian, 0.0044%; no homozygotes.

Submission:

Labcorp Genetics (formerly Invitae), Labcorp
Classification: Uncertain significance for Autosomal recessive limb-girdle muscular dystrophy type 2Q; Epidermolysis bullosa simplex, Ogna type; Epidermolysis bullosa simplex with nail dystrophy; Epidermolysis bullosa simplex 5C, with pyloric atresia; Epidermolysis bullosa simplex 5B, with muscular dystrophy. Last evaluated: 2022-06-03. Review status: criteria provided, single submitter. Criteria: Invitae Variant Classification Sherloc (09022015). Collection method: clinical testing. Allele origin: germline.
Comment: In summary, the available evidence is currently insufficient to determine the role of this variant in disease. Therefore, it has been classified as a Variant of Uncertain Significance. Algorithms developed to predict the effect of missense changes on protein structure and function are either unavailable or do not agree on the potential impact of this missense change (SIFT: "Deleterious"; PolyPhen-2: "Probably Damaging"; Align-GVGD: "Class C0"). This variant has not been reported in the literature in individuals affected with PLEC-related conditions. This variant is present in population databases (rs554586153, gnomAD 0.01%). This sequence change replaces arginine, which is basic and polar, with histidine, which is basic and polar, at codon 2446 of the PLEC protein (p.Arg2446His).

NM_201384.3(PLEC):c.7256G>A (p.Arg2419His)

Gene: PLEC (plectin; minus strand). Cytogenetic location: 8q24.3.
Variant type: single nucleotide variant.
Coding change: c.7256G>A on transcript NM_201384.3 (MANE Select); coding-DNA position 7256, G replaced by A.
Protein change: p.Arg2419His; replaces arginine 2419 with histidine.
Molecular consequence: missense variant.
Genome position (GRCh38, 1-based): chr8:143,922,673, C>T on the plus strand (G>A on the coding strand, the complement: PLEC is on the minus strand). VCF-style: chr8-143922673-C-T. GRCh37 (hg19) VCF-style: chr8-144996841-C-T.
Other names: c.7337G>A, p.Arg2446His (NM_000445.5); c.7214G>A, p.Arg2405His (NM_201378.4); c.7190G>A, p.Arg2397His (NM_201379.3); c.7667G>A, p.Arg2556His (NM_201380.4); c.7160G>A, p.Arg2387His (NM_201381.3); c.7256G>A, p.Arg2419His (NM_201382.4); c.7268G>A, p.Arg2423His (NM_201383.3); short protein forms R2387H, R2397H, R2405H, R2423H, R2419H, R2446H, R2556H.
Identifiers: ClinVar variation 2146488 (VCV002146488.4), dbSNP rs554586153, ClinGen allele CA4925708.
Genomic context (GRCh38, chr8:143,922,673, plus strand): 5'-TGTCGCTGGATCTCCAGTGTCTGCACCAGGGTCACCTTCTCCTGGGTGGCGAGCTCCGTG[C>T]GGTGCAGCTTCTCACCGATCTCCTCCGCCTGCTTCCGGAAGCGCTGGGCGTCCTCCTCAG-3'
Protein context (NP_958786.1, residues 2409-2429): QAEEIGEKLH[Arg2419His]TELATQEKVT